The following is an entry in ClinVar:

NM_003072.5(SMARCA4):c.4324A>C (p.Lys1442Gln)

Gene: SMARCA4 (SWI/SNF related BAF chromatin remodeling complex subunit ATPase 4; plus strand). Cytogenetic location: 19p13.2.
Variant type: single nucleotide variant.
Coding change: c.4324A>C on transcript NM_003072.5 (MANE Select); coding-DNA position 4324, A replaced by C.
Protein change: p.Lys1442Gln; replaces lysine 1442 with glutamine.
Molecular consequence: missense variant. On other transcripts: non-coding transcript variant (1).
Genome position (GRCh38, 1-based): chr19:11,041,460, A>C. VCF-style: chr19-11041460-A-C. GRCh37 (hg19) VCF-style: chr19-11152136-A-C.
Other names: c.4324A>C, p.Lys1442Gln (NM_001128844.3); c.4234A>C, p.Lys1412Gln (NM_001128845.2, NM_001128846.2); c.4225A>C, p.Lys1409Gln (NM_001128847.4, NM_001128848.2, NM_001374457.1); c.4420A>C, p.Lys1474Gln (NM_001128849.3, NM_001387283.1); c.4321A>C, p.Lys1441Gln (NM_001411150.1); short protein forms K1409Q, K1412Q, K1441Q, K1442Q, K1474Q.
Identifiers: ClinVar variation 1720819 (VCV001720819.9), dbSNP rs745677681, ClinGen allele CA9204702.

ClinVar aggregate classification (germline): Uncertain significance. Review status: criteria provided, multiple submitters, no conflicts (2 of 4 stars). 2 submissions from 2 submitters: Uncertain significance (2). Last evaluated 2025-12-22.

Conditions:
Hereditary cancer-predisposing syndrome. Also called: Tumor predisposition; Hereditary Cancer Syndrome; Hereditary neoplastic syndrome; Neoplastic Syndromes, Hereditary. Identifiers: Orphanet 140162, MedGen C0027672, MeSH D009386, MONDO:0015356.
Rhabdoid tumor predisposition syndrome 2 (RTPS2). Identifiers: Orphanet 231108, Orphanet 69077, MedGen C2750074, MONDO:0013224, OMIM 613325.

Allele frequency attached by ClinVar (database versions not stated): gnomAD exomes below 0.00001; ExAC 0.00001.
gnomAD v4.1: 1 of 1,612,580 alleles (0.000062%); highest among the groups gnomAD compares: Non-Finnish European, 0.000085%; no homozygotes.

Submissions (2):

Ambry Genetics
Classification: Uncertain significance for Hereditary cancer-predisposing syndrome. Last evaluated: 2025-12-22. Review status: criteria provided, single submitter. Criteria: Ambry Variant Classification Scheme 2023. Collection method: clinical testing. Allele origin: germline.
Comment: The p.K1474Q variant (also known as c.4420A>C), located in coding exon 30 of the SMARCA4 gene, results from an A to C substitution at nucleotide position 4420. The lysine at codon 1474 is replaced by glutamine, an amino acid with similar properties. This amino acid position is highly conserved in available vertebrate species. In addition, the in silico prediction for this alteration is inconclusive. Missense and in-frame variants in SMARCA4 are known to cause neurodevelopmental disorders; however, such associations with rhabdoid tumor predisposition syndrome including small cell carcinoma of the ovary-hypercalcemic type (SCCOHT) are exceedingly rare (Kosho T et al. Am J Med Genet C Semin Med Genet. 2014 Sep;166C(3):262-75; Jelinic P et al. Nat Genet. 2014 May;46(5):424-6). Based on the supporting evidence, the association of this alteration with Coffin-Siris syndrome is unknown; however, the association of this alteration with rhabdoid tumor predisposition syndrome is unlikely.

Labcorp Genetics (formerly Invitae), Labcorp
Classification: Uncertain significance for Rhabdoid tumor predisposition syndrome 2. Last evaluated: 2025-06-11. Review status: criteria provided, single submitter. Criteria: Invitae Variant Classification Sherloc (09022015). Collection method: clinical testing. Allele origin: germline.
Comment: This sequence change replaces lysine, which is basic and polar, with glutamine, which is neutral and polar, at codon 1474 of the SMARCA4 protein (p.Lys1474Gln). This variant is present in population databases (rs745677681, gnomAD 0.0009%). This variant has not been reported in the literature in individuals affected with SMARCA4-related conditions. ClinVar contains an entry for this variant (Variation ID: 1720819). Invitae Evidence Modeling of protein sequence and biophysical properties (such as structural, functional, and spatial information, amino acid conservation, physicochemical variation, residue mobility, and thermodynamic stability) has been performed for this missense variant. However, the output from this modeling did not meet the statistical confidence thresholds required to predict the impact of this variant on SMARCA4 protein function. In summary, the available evidence is currently insufficient to determine the role of this variant in disease. Therefore, it has been classified as a Variant of Uncertain Significance.